The following is an entry in ClinVar:

ClinVar aggregate classification (germline): Pathogenic (1 of 4 stars; one submission).

Submission:

ISCA Site 6
Classification: Pathogenic. Last evaluated: 2011-08-12. Review status: criteria provided, single submitter. Criteria: Kaminsky et al. (Genet Med. 2011). Collection method: clinical testing. Allele origin: unknown. Affected: yes. Observed: 1 variant allele.
Comment: Copy number variation identified through the course of routine clinical cytogenomic testing in postnatal populations. Clinical assertions have been curated as described in Kaminsky et al. 2011.

GRCh38/hg38 15q11.2-13.1(chr15:23375083-28197267)x1

Genes: ATP10A (ATPase phospholipid transporting 10A (putative); minus strand), ATP10A-DT (ATP10A divergent transcript; plus strand), GABRA5 (gamma-aminobutyric acid type A receptor subunit alpha5; plus strand), GABRB3 (gamma-aminobutyric acid type A receptor subunit beta3; minus strand), GABRG3 (gamma-aminobutyric acid type A receptor subunit gamma3; plus strand) and 137 more. Cytogenetic location: 15q11.2-13.1.
Variant type: copy number loss.
Change: copy number 1 (one copy instead of two) of chr15:23,375,083-28,197,267 (4.82 Mb, GRCh38 coordinates, 1-based), cytogenetic band 15q11.2-13.1.
Identifiers: ClinVar variation 58601 (VCV000058601.2).